The following is an entry in ClinVar:

ClinVar aggregate classification (germline): Pathogenic. Review status: reviewed by expert panel (3 of 4 stars). 2 submissions from 2 submitters: Pathogenic (1). 1 of the submissions does not count toward it. Last evaluated 2016-09-08.

Conditions:
Breast-ovarian cancer, familial, susceptibility to, 1 (BROVCA1). Also called: BRCA1 Hereditary Breast and Ovarian Cancer; OVARIAN CANCER, SUSCEPTIBILITY TO. Identifiers: Orphanet 145, MedGen C2676676, MONDO:0011450, OMIM 604370. Disease mechanism: loss of function.

Submissions (2):

Evidence-based Network for the Interpretation of Germline Mutant Alleles (ENIGMA)
Classification: Pathogenic for Breast-ovarian cancer, familial, susceptibility to, 1. Last evaluated: 2016-09-08. Review status: reviewed by expert panel. Criteria: ENIGMA BRCA1/2 Classification Criteria (2015). Collection method: curation. Allele origin: germline.
Comment: Variant allele predicted to encode a truncated non-functional protein.

Breast Cancer Information Core (BIC) (BRCA1)
Classification: Pathogenic for Breast-ovarian cancer, familial 1. Last evaluated: 2003-12-23. Review status: no assertion criteria provided. Collection method: clinical testing. Allele origin: germline. Affected: yes. Observed: 1 variant allele. Not counted in ClinVar's aggregate classification.

NM_007294.4(BRCA1):c.4052dup (p.Leu1351fs)

Genes: BRCA1 (BRCA1 DNA repair associated; minus strand), LOC126862571 (BRD4-independent group 4 enhancer GRCh37_chr17:41243136-41244335; plus strand). Cytogenetic location: 17q21.31.
Variant type: Duplication.
Coding change: c.4052dup on transcript NM_007294.4 (MANE Select); coding-DNA position 4052, one base duplicated (T; older notation c.4052dupT).
Protein change: p.Leu1351fs; shifts the reading frame from leucine 1351.
Molecular consequence: frameshift variant. On other transcripts: intron variant (135).
Genome position (GRCh38, 1-based): chr17:43,091,479, A duplicated on the plus strand (T on the coding strand, the reverse complement: BRCA1 is on the minus strand); the first of 2 consecutive A bases (chr17:43,091,479-43,091,480); duplicating either gives the same sequence. VCF-style (leftmost placement, unchanged base first): chr17-43091478-C-CA. GRCh37 (hg19) VCF-style: chr17-41243495-C-CA.
Other names: 4171insT; c.788-447dup (NM_001407977.1, NM_001407982.1, NM_001407970.1 and 17 more transcripts); c.647-447dup (NM_001408410.1, NM_001408458.1, NM_001408469.1 and 11 more transcripts); c.710-447dup (NM_001408415.1, NM_001408412.1, NM_001408409.1 and 2 more transcripts); c.578-447dup (NM_001408483.1, NM_001408481.1, NM_001408480.1 and 9 more transcripts); c.665-447dup (NM_001408442.1, NM_001408426.1, NM_001408436.1 and 12 more transcripts); c.4049dup, p.Leu1350fs (NM_001407615.1, NM_001407633.1, NM_001407634.1 and 22 more transcripts); c.4052dup, p.Leu1351fs (NM_001407616.1, NM_001407617.1, NM_001407618.1 and 30 more transcripts); and 43 more; short protein forms L1351fs, L1304fs, L1223fs, L1239fs, L1240fs, L1283fs, L1284fs, L1310fs.
Identifiers: ClinVar variation 55088 (VCV000055088.4), dbSNP rs80357779, ClinGen allele CA002586.